The following is an entry in ClinVar:

NM_000090.4(COL3A1):c.1442del (p.Ala481fs)

Gene: COL3A1 (collagen type III alpha 1 chain; plus strand). Cytogenetic location: 2q32.2.
Variant type: Deletion.
Coding change: c.1442del on transcript NM_000090.4 (MANE Select); coding-DNA position 1442, one base deleted (C; older notation c.1442delC).
Protein change: p.Ala481fs; shifts the reading frame from alanine 481.
Molecular consequence: frameshift variant.
Genome position (GRCh38, 1-based): chr2:188,994,818, C deleted. VCF-style (leftmost placement, unchanged base first): chr2-188994817-GC-G. GRCh37 (hg19) VCF-style: chr2-189859543-GC-G.
Other names: short protein forms A481fs.
Identifiers: ClinVar variation 959744 (VCV000959744.8), dbSNP rs1688268302, ClinGen allele CA1139657560.

ClinVar aggregate classification (germline): Pathogenic (1 of 4 stars; one submission).

Conditions:
Ehlers-Danlos syndrome, type 4 (EDSVASC). Also called: Ehlers-Danlos syndrome vascular type; Ehlers Danlos syndrome, ecchymotic type; Ehlers Danlos syndrome, arterial type; Ehlers Danlos syndrome, Sack-Barabas type; Ehlers-Danlos Syndrome Type IV. Identifiers: Orphanet 286, MedGen C0268338, MONDO:0017314, OMIM 130050.

Submission:

Labcorp Genetics (formerly Invitae), Labcorp
Classification: Pathogenic for Ehlers-Danlos syndrome, type 4. Last evaluated: 2023-05-21. Review status: criteria provided, single submitter. Criteria: Invitae Variant Classification Sherloc (09022015). Collection method: clinical testing. Allele origin: germline.
Comment: This sequence change creates a premature translational stop signal (p.Ala481Valfs*55) in the COL3A1 gene. It is expected to result in an absent or disrupted protein product. Loss-of-function variants in COL3A1 are known to be pathogenic (PMID: 24922459). For these reasons, this variant has been classified as Pathogenic. ClinVar contains an entry for this variant (Variation ID: 959744). This variant has not been reported in the literature in individuals affected with COL3A1-related conditions. This variant is not present in population databases (gnomAD no frequency).

Literature cited by the submitters: PubMed 24922459.